The following is an entry in ClinVar:

ClinVar aggregate classification (germline): Conflicting classifications of pathogenicity. Review status: criteria provided, conflicting classifications (1 of 4 stars). 2 submissions from 2 submitters: Likely pathogenic (1); Uncertain significance (1). Last evaluated 2024-02-27.

Conditions:
Coenzyme Q10 deficiency, primary, 1. Also called: UBIQUINONE DEFICIENCY 1; COENZYME Q DEFICIENCY 1; CoQ DEFICIENCY 1. Identifiers: Orphanet 255249, MedGen C3551954, MONDO:0011829, OMIM 607426.

Submissions (2):

Service de Génétique Médicale, Centre Hospitalier Universitaire de Nice-Université Côte d'Azur
Classification: Likely pathogenic for Coenzyme Q10 deficiency, primary, 1. Last evaluated: 2024-02-27. Review status: criteria provided, single submitter. Criteria: ACMG Guidelines, 2015. Collection method: clinical testing. Allele origin: germline. Affected: yes.

Labcorp Genetics (formerly Invitae), Labcorp
Classification: Uncertain significance. Last evaluated: 2022-07-19. Review status: criteria provided, single submitter. Criteria: Invitae Variant Classification Sherloc (09022015). Collection method: clinical testing. Allele origin: germline.
Comment: In summary, the available evidence is currently insufficient to determine the role of this variant in disease. Therefore, it has been classified as a Variant of Uncertain Significance. Algorithms developed to predict the effect of missense changes on protein structure and function (SIFT, PolyPhen-2, Align-GVGD) all suggest that this variant is likely to be disruptive. This variant has not been reported in the literature in individuals affected with COQ2-related conditions. This variant is not present in population databases (gnomAD no frequency). This sequence change replaces aspartic acid, which is acidic and polar, with glutamic acid, which is acidic and polar, at codon 298 of the COQ2 protein (p.Asp298Glu).

Literature cited by the submitters: PubMed 38703036 (cited by Service de Génétique Médicale, Centre Hospitalier Universitaire de Nice-Université Côte d'Azur).

NM_001358921.2(COQ2):c.744T>A (p.Asp248Glu)

Gene: COQ2 (coenzyme Q2, polyprenyltransferase; minus strand). Cytogenetic location: 4q21.23.
Variant type: single nucleotide variant.
Coding change: c.744T>A on transcript NM_001358921.2 (MANE Select); coding-DNA position 744, T replaced by A.
Protein change: p.Asp248Glu; replaces aspartic acid 248 with glutamic acid.
Molecular consequence: missense variant.
Genome position (GRCh38, 1-based): chr4:83,269,878, A>T on the plus strand (T>A on the coding strand, the complement: COQ2 is on the minus strand). VCF-style: chr4-83269878-A-T. GRCh37 (hg19) VCF-style: chr4-84191031-A-T.
Other names: c.894T>A, p.Asp298Glu (NM_015697.9); c.894T>A (NM_015697.7); short protein forms D248E, D298E.
Identifiers: ClinVar variation 1718789 (VCV001718789.6), dbSNP rs6535454, ClinGen allele CA357229520.